The following is an entry in ClinVar:

ClinVar aggregate classification (germline): Uncertain significance (1 of 4 stars; one submission).

Conditions:
Duchenne muscular dystrophy (DMD). Also called: MUSCULAR DYSTROPHY, PSEUDOHYPERTROPHIC PROGRESSIVE, DUCHENNE TYPE; Duchenne Muscular Dystrophy (DMD). Identifiers: Orphanet 98896, MedGen C0013264, MONDO:0010679, OMIM 310200.

Submission:

Labcorp Genetics (formerly Invitae), Labcorp
Classification: Uncertain significance for Duchenne muscular dystrophy. Last evaluated: 2024-10-13. Review status: criteria provided, single submitter. Criteria: Invitae Variant Classification Sherloc (09022015). Collection method: clinical testing. Allele origin: germline.
Comment: This sequence change replaces lysine, which is basic and polar, with glutamic acid, which is acidic and polar, at codon 1563 of the DMD protein (p.Lys1563Glu). This variant is not present in population databases (gnomAD no frequency). This variant has not been reported in the literature in individuals affected with DMD-related conditions. Invitae Evidence Modeling of protein sequence and biophysical properties (such as structural, functional, and spatial information, amino acid conservation, physicochemical variation, residue mobility, and thermodynamic stability) indicates that this missense variant is not expected to disrupt DMD protein function with a negative predictive value of 95%. In summary, the available evidence is currently insufficient to determine the role of this variant in disease. Therefore, it has been classified as a Variant of Uncertain Significance.

NM_004006.3(DMD):c.4687A>G (p.Lys1563Glu)

Gene: DMD (dystrophin; minus strand). Cytogenetic location: Xp21.1.
Variant type: single nucleotide variant.
Coding change: c.4687A>G on transcript NM_004006.3 (MANE Select); coding-DNA position 4687, A replaced by G.
Protein change: p.Lys1563Glu; replaces lysine 1563 with glutamic acid.
Molecular consequence: missense variant.
Genome position (GRCh38, 1-based): chrX:32,380,668, T>C on the plus strand (A>G on the coding strand, the complement: DMD is on the minus strand). VCF-style: chrX-32380668-T-C. GRCh37 (hg19) VCF-style: chrX-32398785-T-C.
Other names: c.4663A>G, p.Lys1555Glu (NM_000109.4); c.4675A>G, p.Lys1559Glu (NM_004009.3); c.4318A>G, p.Lys1440Glu (NM_004010.3); c.664A>G, p.Lys222Glu (NM_004011.4); c.655A>G, p.Lys219Glu (NM_004012.4); short protein forms K1559E, K222E, K1440E, K1555E, K1563E, K219E.
Identifiers: ClinVar variation 3700157 (VCV003700157.2).
Genomic context (GRCh38, chrX:32,380,668, plus strand): 5'-AGACATTCATTTCCTTTCGCATCTTACGGGACAATTTCAAGCATTTCTCCAACTGTTGCT[T>C]TCTTTCTGTTACCTGAAAAGAATTATAATGAAATGTAATTTAGTTTACTCTTTAATTCAA-3'
Protein context (NP_003997.2, residues 1553-1573): NELGAKVTER[Lys1563Glu]QQLEKCLKLS